The following is an entry in ClinVar:

NM_017654.4(SAMD9):c.1016T>G (p.Phe339Cys)

Gene: SAMD9 (sterile alpha motif domain containing 9; minus strand). Cytogenetic location: 7q21.2.
Variant type: single nucleotide variant.
Coding change: c.1016T>G on transcript NM_017654.4 (MANE Select); coding-DNA position 1016, T replaced by G.
Protein change: p.Phe339Cys; replaces phenylalanine 339 with cysteine.
Molecular consequence: missense variant.
Genome position (GRCh38, 1-based): chr7:93,105,082, A>C on the plus strand (T>G on the coding strand, the complement: SAMD9 is on the minus strand). VCF-style: chr7-93105082-A-C. GRCh37 (hg19) VCF-style: chr7-92734395-A-C.
Other names: c.1016T>G, p.Phe339Cys (NM_001193307.2); short protein forms F339C.
Identifiers: ClinVar variation 3949610 (VCV003949610.1).

ClinVar aggregate classification (germline): Uncertain significance (1 of 4 stars; one submission).

Conditions:
Inborn genetic diseases. Identifiers: MedGen C0950123, MeSH D030342.

Submission:

Ambry Genetics
Classification: Uncertain significance for Inborn genetic diseases. Last evaluated: 2025-05-05. Review status: criteria provided, single submitter. Criteria: Ambry Variant Classification Scheme 2023. Collection method: clinical testing. Allele origin: germline.
Comment: The p.F339C variant (also known as c.1016T>G), located in coding exon 1 of the SAMD9 gene, results from a T to G substitution at nucleotide position 1016. The phenylalanine at codon 339 is replaced by cysteine, an amino acid with highly dissimilar properties. This amino acid position is conserved. In addition, this alteration is predicted to be tolerated by in silico analysis. Based on the available evidence, the clinical significance of this variant remains unclear.